The following is an entry in ClinVar:

NM_007294.4(BRCA1):c.3280T>G (p.Tyr1094Asp)

Genes: BRCA1 (BRCA1 DNA repair associated; minus strand), LOC126862571 (BRD4-independent group 4 enhancer GRCh37_chr17:41243136-41244335; plus strand). Cytogenetic location: 17q21.31.
Variant type: single nucleotide variant.
Coding change: c.3280T>G on transcript NM_007294.4 (MANE Select); coding-DNA position 3280, T replaced by G.
Protein change: p.Tyr1094Asp; replaces tyrosine 1094 with aspartic acid.
Molecular consequence: missense variant. On other transcripts: intron variant (137).
Genome position (GRCh38, 1-based): chr17:43,092,251, A>C on the plus strand (T>G on the coding strand, the complement: BRCA1 is on the minus strand). VCF-style: chr17-43092251-A-C. GRCh37 (hg19) VCF-style: chr17-41244268-A-C.
Other names: c.578-1219T>G (NM_001408481.1, NM_001408480.1, NM_001408492.1 and 9 more transcripts); c.779-1219T>G (NM_001408408.1); c.662-1219T>G (NM_001408446.1, NM_001408435.1, NM_001408448.1 and 6 more transcripts); c.785-1219T>G (NM_001408401.1, NM_001408396.1, NM_001407985.1 and 13 more transcripts); c.548-1219T>G (NM_001408494.1); c.665-1219T>G (NM_001408444.1, NM_001408438.1, NM_001408430.1 and 12 more transcripts); c.788-1219T>G (NM_001407974.1, NM_001407973.1, NM_001408404.1 and 17 more transcripts); c.788-112T>G (NM_001407969.1, NM_001407968.1); and 41 more; short protein forms Y1094D, Y1047D, Y1052D, Y1005D, Y1023D, Y1027D, Y1046D, Y1053D.
Identifiers: ClinVar variation 855149 (VCV000855149.15), dbSNP rs1555588026, ClinGen allele CA10595429.

ClinVar aggregate classification (germline): Conflicting classifications of pathogenicity. Review status: criteria provided, conflicting classifications (1 of 4 stars). 3 submissions from 3 submitters: Uncertain significance (2); Likely benign (1). Last evaluated 2023-07-08.

Conditions:
Hereditary breast ovarian cancer syndrome. Also called: Hereditary breast and ovarian cancer syndrome; BRCA1- and BRCA2-Associated Hereditary Breast and Ovarian Cancer; Hereditary breast and/or ovarian cancer syndrome; Hereditary breast and ovarian cancer; Hereditary breast and ovarian cancer syndrome (HBOC); Breast and ovarian cancer. Identifiers: Orphanet 145, MedGen C0677776, MeSH D061325, MONDO:0003582. Disease mechanism: loss of function.
Hereditary cancer-predisposing syndrome. Also called: Neoplastic Syndromes, Hereditary; Hereditary Cancer Syndrome; Tumor predisposition; Hereditary neoplastic syndrome. Identifiers: Orphanet 140162, MedGen C0027672, MeSH D009386, MONDO:0015356.

Submissions (3):

Labcorp Genetics (formerly Invitae), Labcorp
Classification: Uncertain significance for Hereditary breast ovarian cancer syndrome. Last evaluated: 2023-07-08. Review status: criteria provided, single submitter. Criteria: Invitae Variant Classification Sherloc (09022015). Collection method: clinical testing. Allele origin: germline.
Comment: This sequence change replaces tyrosine, which is neutral and polar, with aspartic acid, which is acidic and polar, at codon 1094 of the BRCA1 protein (p.Tyr1094Asp). This variant is not present in population databases (gnomAD no frequency). In summary, the available evidence is currently insufficient to determine the role of this variant in disease. Therefore, it has been classified as a Variant of Uncertain Significance. Advanced modeling of protein sequence and biophysical properties (such as structural, functional, and spatial information, amino acid conservation, physicochemical variation, residue mobility, and thermodynamic stability) performed at Invitae indicates that this missense variant is not expected to disrupt BRCA1 protein function. ClinVar contains an entry for this variant (Variation ID: 855149). This variant has not been reported in the literature in individuals affected with BRCA1-related conditions.

Ambry Genetics
Classification: Uncertain significance for Hereditary cancer-predisposing syndrome. Last evaluated: 2023-04-03. Review status: criteria provided, single submitter. Criteria: Ambry Variant Classification Scheme 2023. Collection method: clinical testing. Allele origin: germline.
Comment: The p.Y1094D variant (also known as c.3280T>G), located in coding exon 9 of the BRCA1 gene, results from a T to G substitution at nucleotide position 3280. The tyrosine at codon 1094 is replaced by aspartic acid, an amino acid with highly dissimilar properties. This amino acid position is poorly conserved in available vertebrate species. In addition, the in silico prediction for this alteration is inconclusive. Since supporting evidence is limited at this time, the clinical significance of this alteration remains unclear.

University of Washington Department of Laboratory Medicine, University of Washington
Classification: Likely benign for Hereditary cancer-predisposing syndrome. Last evaluated: 2023-03-23. Review status: criteria provided, single submitter. Criteria: Dines et al. (Genet Med. 2020). Collection method: curation. Allele origin: germline.
Comment: Missense variant in a coldspot region where missense variants are very unlikely to be pathogenic (PMID:31911673).

BRCA1 coldspot (exon 11 using historical exon numbering). Reclassification based on statistical prior probability